The following is an entry in ClinVar:

ClinVar aggregate classification (germline): Uncertain significance (1 of 4 stars; one submission).

Conditions:
Progressive familial heart block type IB (PFHB1B). Identifiers: Orphanet 871, MedGen C1970298, MONDO:0011474, OMIM 604559.

Submission:

Labcorp Genetics (formerly Invitae), Labcorp
Classification: Uncertain significance for Progressive familial heart block type IB. Last evaluated: 2020-10-13. Review status: criteria provided, single submitter. Criteria: Invitae Variant Classification Sherloc (09022015). Collection method: clinical testing. Allele origin: germline.
Comment: This sequence change replaces valine with methionine at codon 382 of the TRPM4 protein (p.Val382Met). The valine residue is highly conserved and there is a small physicochemical difference between valine and methionine. This variant is not present in population databases (ExAC no frequency). In summary, the available evidence is currently insufficient to determine the role of this variant in disease. Therefore, it has been classified as a Variant of Uncertain Significance. Algorithms developed to predict the effect of missense changes on protein structure and function are either unavailable or do not agree on the potential impact of this missense change (SIFT: "Tolerated"; PolyPhen-2: "Probably Damaging"; Align-GVGD: "Class C0"). This variant has not been reported in the literature in individuals with TRPM4-related conditions.

NM_017636.4(TRPM4):c.1144G>A (p.Val382Met)

Gene: TRPM4 (transient receptor potential cation channel subfamily M member 4; plus strand). Cytogenetic location: 19q13.33.
Variant type: single nucleotide variant.
Coding change: c.1144G>A on transcript NM_017636.4 (MANE Select); coding-DNA position 1144, G replaced by A.
Protein change: p.Val382Met; replaces valine 382 with methionine.
Molecular consequence: missense variant. On other transcripts: 5 prime UTR variant (1), intron variant (1).
Genome position (GRCh38, 1-based): chr19:49,172,102, G>A. VCF-style: chr19-49172102-G-A. GRCh37 (hg19) VCF-style: chr19-49675359-G-A.
Other names: c.1144G>A, p.Val382Met (NM_001195227.2); c.799G>A, p.Val267Met (NM_001321281.2); c.-410G>A (NM_001321282.2); c.622G>A, p.Val208Met (NM_001321283.2); c.201+333G>A (NM_001321285.2); short protein forms V208M, V267M, V382M.
Identifiers: ClinVar variation 1061950 (VCV001061950.9), dbSNP rs2122839693, ClinGen allele CA406795740.